The following is an entry in ClinVar:

NM_171998.4(RAB39B):c.177G>T (p.Lys59Asn)

Gene: RAB39B (RAB39B, member RAS oncogene family; minus strand). Cytogenetic location: Xq28.
Variant type: single nucleotide variant.
Coding change: c.177G>T on transcript NM_171998.4 (MANE Select); coding-DNA position 177, G replaced by T.
Protein change: p.Lys59Asn; replaces lysine 59 with asparagine.
Molecular consequence: missense variant.
Genome position (GRCh38, 1-based): chrX:155,264,112, C>A on the plus strand (G>T on the coding strand, the complement: RAB39B is on the minus strand). VCF-style: chrX-155264112-C-A. GRCh37 (hg19) VCF-style: chrX-154493397-C-A.
Other names: short protein forms K59N.
Identifiers: ClinVar variation 4278837 (VCV004278837.1).
Genomic context (GRCh38, chrX:155,264,112, plus strand): 5'-CGGGCCCGGACTGCGCTCCCACCTGAACCTCTCTTGACCCGCGGTATCCCAGATCTGGAG[C>A]TTGATGCGTTTTCCTGGCTCGATCTCCACCAAGCGGGAGAAAAAATCCACCCCCACGGTG-3'
Protein context (NP_741995.1, residues 49-69): LVEIEPGKRI[Lys59Asn]LQIWDTAGQE

ClinVar aggregate classification (germline): Uncertain significance (1 of 4 stars; one submission).

Submission:

GeneDx
Classification: Uncertain significance. Last evaluated: 2025-03-31. Review status: criteria provided, single submitter. Criteria: GeneDx Variant Classification Process June 2021. Collection method: clinical testing. Allele origin: germline. Affected: yes.
Comment: Not observed at significant frequency in large population cohorts (gnomAD); In silico analysis supports that this missense variant has a deleterious effect on protein structure/function; Has not been previously published as pathogenic or benign to our knowledge